The following is an entry in ClinVar:

NM_000834.5(GRIN2B):c.1372A>T (p.Lys458Ter)

Gene: GRIN2B (glutamate ionotropic receptor NMDA type subunit 2B; minus strand). Cytogenetic location: 12p13.1.
Variant type: single nucleotide variant.
Coding change: c.1372A>T on transcript NM_000834.5 (MANE Select); coding-DNA position 1372, A replaced by T.
Protein change: p.Lys458Ter; replaces lysine 458 with a stop codon.
Molecular consequence: nonsense.
Genome position (GRCh38, 1-based): chr12:13,615,621, T>A on the plus strand (A>T on the coding strand, the complement: GRIN2B is on the minus strand). VCF-style: chr12-13615621-T-A. GRCh37 (hg19) VCF-style: chr12-13768555-T-A.
Other names: short protein forms K458*.
Identifiers: ClinVar variation 392200 (VCV000392200.2), dbSNP rs1057524392, ClinGen allele CA16607180.
Genomic context (GRCh38, chr12:13,615,621, plus strand): 5'-GGTCATAGGTGAACTTCACAGATTTAGAAATTTTCTTAAGGATGTCAATACAGAACCCCT[T>A]GCAGCATTTTTTGATGTAACCCGGCTCCTCGTCTGTTTTATTCCTAGCCAATTAAAGAAA-3'

ClinVar aggregate classification (germline): Pathogenic (1 of 4 stars; one submission).

Submission:

GeneDx
Classification: Pathogenic. Last evaluated: 2017-01-09. Review status: criteria provided, single submitter. Criteria: GeneDx Variant Classification (06012015). Collection method: clinical testing. Allele origin: germline. Affected: yes.
Comment: The K458X nonsense variant in the GRIN2B gene is predicted to cause loss of normal protein function either through protein truncation or nonsense-mediated mRNA decay. It is not observed in large population cohorts (Lek et al., 2016; 1000 Genomes Consortium et al., 2015; Exome Variant Server). Other nonsense and loss-of-function variants have been reported in the Human Gene Mutation Database in association with GRIN2B-related disorders (Stenson et al., 2014).